The following is an entry in ClinVar:

ClinVar aggregate classification (germline): Uncertain significance. Review status: criteria provided, multiple submitters, no conflicts (2 of 4 stars). 2 submissions from 2 submitters: Uncertain significance (2). Last evaluated 2024-05-18.

Conditions:
Hereditary cancer-predisposing syndrome. Also called: Neoplastic Syndromes, Hereditary; Hereditary neoplastic syndrome; Tumor predisposition; Hereditary Cancer Syndrome. Identifiers: Orphanet 140162, MedGen C0027672, MeSH D009386, MONDO:0015356.
Renal cell carcinoma. Identifiers: Orphanet 217071, MedGen C0007134, MeSH D002292, MONDO:0005086, HP:0005584.

Submissions (2):

Ambry Genetics
Classification: Uncertain significance for Hereditary cancer-predisposing syndrome. Last evaluated: 2024-05-18. Review status: criteria provided, single submitter. Criteria: Ambry Variant Classification Scheme 2023. Collection method: clinical testing. Allele origin: germline.
Comment: The p.V370F variant (also known as c.1108G>T), located in coding exon 1 of the MET gene, results from a G to T substitution at nucleotide position 1108. The valine at codon 370 is replaced by phenylalanine, an amino acid with highly similar properties. This amino acid position is conserved. In addition, this alteration is predicted to be tolerated by in silico analysis. Based on the available evidence, the clinical significance of this variant remains unclear.

Labcorp Genetics (formerly Invitae), Labcorp
Classification: Uncertain significance for Renal cell carcinoma. Last evaluated: 2023-04-22. Review status: criteria provided, single submitter. Criteria: Invitae Variant Classification Sherloc (09022015). Collection method: clinical testing. Allele origin: germline.
Comment: In summary, the available evidence is currently insufficient to determine the role of this variant in disease. Therefore, it has been classified as a Variant of Uncertain Significance. An algorithm developed to predict the effect of missense changes on protein structure and function (PolyPhen-2) suggests that this variant is likely to be disruptive. This variant has not been reported in the literature in individuals affected with MET-related conditions. This variant is not present in population databases (gnomAD no frequency). This sequence change replaces valine, which is neutral and non-polar, with phenylalanine, which is neutral and non-polar, at codon 370 of the MET protein (p.Val370Phe).

NM_000245.4(MET):c.1108G>T (p.Val370Phe)

Gene: MET (MET proto-oncogene, receptor tyrosine kinase; plus strand). Cytogenetic location: 7q31.2.
Variant type: single nucleotide variant.
Coding change: c.1108G>T on transcript NM_000245.4 (MANE Select); coding-DNA position 1108, G replaced by T.
Protein change: p.Val370Phe; replaces valine 370 with phenylalanine.
Molecular consequence: missense variant. On other transcripts: intron variant (1).
Genome position (GRCh38, 1-based): chr7:116,700,192, G>T. VCF-style: chr7-116700192-G-T. GRCh37 (hg19) VCF-style: chr7-116340246-G-T.
Other names: c.1108G>T, p.Val370Phe (NM_001127500.3, NM_001324401.3); c.-91+27615G>T (NM_001324402.2); short protein forms V370F.
Identifiers: ClinVar variation 2858193 (VCV002858193.4), dbSNP rs1167093562, ClinGen allele CA368970554.